The following is an entry in ClinVar:

NM_022552.5(DNMT3A):c.309G>A (p.Glu103=)

Gene: DNMT3A (DNA methyltransferase 3 alpha; minus strand). Cytogenetic location: 2p23.3.
Variant type: single nucleotide variant.
Coding change: c.309G>A on transcript NM_022552.5 (MANE Select); coding-DNA position 309, G replaced by A.
Protein change: p.Glu103=; no amino-acid change (glutamic acid 103 retained).
Molecular consequence: synonymous variant. On other transcripts: non-coding transcript variant (1).
Genome position (GRCh38, 1-based): chr2:25,282,580, C>T on the plus strand (G>A on the coding strand, the complement: DNMT3A is on the minus strand). VCF-style: chr2-25282580-C-T. GRCh37 (hg19) VCF-style: chr2-25505449-C-T.
Other names: c.309G>A, p.Glu103= (NM_001320892.2, NM_175629.2, NM_175630.1).
Identifiers: ClinVar variation 2153399 (VCV002153399.5), dbSNP rs770121557, ClinGen allele CA1556493.

ClinVar aggregate classification (germline): Likely benign. Review status: criteria provided, single submitter (1 of 4 stars). 2 submissions from 2 submitters: Likely benign (1). 1 of the submissions does not count toward it. Last evaluated 2025-04-17.

Conditions:
DNMT3A-related disorder. Also called: DNMT3A-related disorders; DNMT3A-related condition.
Tatton-Brown-Rahman overgrowth syndrome. Also called: Tatton-Brown-Rahman syndrome; Tall stature-intellectual disability-facial dysmorphism syndrome. Identifiers: Orphanet 404443, MedGen C4014545, MONDO:0014382, OMIM 615879.

Allele frequency attached by ClinVar (database versions not stated): ExAC 0.00001; gnomAD 0.00001; gnomAD exomes 0.00001; TOPMed 0.00001.
gnomAD v4.1: 14 of 1,613,506 alleles (0.00087%); highest among the groups gnomAD compares: Admixed American, 0.0033%; no homozygotes.

Submissions (2):

Labcorp Genetics (formerly Invitae), Labcorp
Classification: Likely benign for Tatton-Brown-Rahman overgrowth syndrome. Last evaluated: 2025-04-17. Review status: criteria provided, single submitter. Criteria: Invitae Variant Classification Sherloc (09022015). Collection method: clinical testing. Allele origin: germline.

PreventionGenetics, part of Exact Sciences
Classification: Likely benign for DNMT3A-related condition. Last evaluated: 2024-08-15. Review status: no assertion criteria provided. Collection method: clinical testing. Allele origin: germline. Not counted in ClinVar's aggregate classification.
Comment: This variant is classified as likely benign based on ACMG/AMP sequence variant interpretation guidelines (Richards et al. 2015 PMID: 25741868, with internal and published modifications).